The following is an entry in ClinVar:

NM_021971.4(GMPPB):c.-5_-4delinsTT

Gene: GMPPB (GDP-mannose pyrophosphorylase B; minus strand). Cytogenetic location: 3p21.31.
Variant type: Indel.
Coding change: c.-5_-4delinsTT on transcript NM_021971.4 (MANE Select); 5 bases upstream of the start codon through 4 bases upstream of the start codon, GC replaced by TT.
Molecular consequence: 5 prime UTR variant.
Genome position (GRCh38, 1-based): chr3:49,723,730-49,723,731, GC replaced by AA on the plus strand (GC replaced by TT on the coding strand, the reverse complement: GMPPB is on the minus strand). VCF-style: chr3-49723730-GC-AA. GRCh37 (hg19) VCF-style: chr3-49761163-GC-AA.
Other names: c.-5_-4delinsTT (NM_013334.4).
Identifiers: ClinVar variation 3362158 (VCV003362158.1).

ClinVar aggregate classification (germline): Uncertain significance (1 of 4 stars; one submission).

Submission:

GeneDx
Classification: Uncertain significance. Last evaluated: 2023-05-25. Review status: criteria provided, single submitter. Criteria: GeneDx Variant Classification Process June 2021. Collection method: clinical testing. Allele origin: germline. Affected: yes.
Comment: Has not been previously published as pathogenic or benign to our knowledge